The following is an entry in ClinVar:

NM_004656.4(BAP1):c.606G>C (p.Trp202Cys)

Gene: BAP1 (BRCA1 associated deubiquitinase 1; minus strand). Cytogenetic location: 3p21.1.
Variant type: single nucleotide variant.
Coding change: c.606G>C on transcript NM_004656.4 (MANE Select); coding-DNA position 606, G replaced by C.
Protein change: p.Trp202Cys; replaces tryptophan 202 with cysteine.
Molecular consequence: missense variant.
Genome position (GRCh38, 1-based): chr3:52,406,882, C>G on the plus strand (G>C on the coding strand, the complement: BAP1 is on the minus strand). VCF-style: chr3-52406882-C-G. GRCh37 (hg19) VCF-style: chr3-52440898-C-G.
Other names: c.606G>C, p.Trp202Cys (NM_001410772.1); short protein forms W202C.
Identifiers: ClinVar variation 2450417 (VCV002450417.3), dbSNP rs868339867, ClinGen allele CA353109064.

ClinVar aggregate classification (germline): Pathogenic (1 of 4 stars; one submission).

Conditions:
Hereditary cancer-predisposing syndrome. Also called: Hereditary Cancer Syndrome; Hereditary neoplastic syndrome; Neoplastic Syndromes, Hereditary; Tumor predisposition. Identifiers: Orphanet 140162, MedGen C0027672, MeSH D009386, MONDO:0015356.

Submission:

Ambry Genetics
Classification: Pathogenic for Hereditary cancer-predisposing syndrome. Last evaluated: 2026-06-26. Review status: criteria provided, single submitter. Criteria: Ambry Variant Classification Scheme 2023. Collection method: clinical testing. Allele origin: germline.
Comment: The p.W202C pathogenic mutation (also known as c.606G>C), located in coding exon 8 of the BAP1 gene, results from a G to C substitution at nucleotide position 606. The tryptophan at codon 202 is replaced by cysteine, an amino acid with highly dissimilar properties. This variant was reported in individual(s) with features consistent with BAP1-related tumor predisposition syndrome (De Rienzo A et al. Cancer Res. 2016 Jan;76(2):319-28; Ambry internal data). Other variant(s) at the same codon, c.604T>C, p.W202R, have been identified in individual(s) with features consistent with BAP1-related tumor predisposition syndrome (Kittaneh M et al. J Transl Med, 2018 Jul;16:194). This alteration was non-functional in a high throughput genome editing haploid cell survival functional assay (Waters AJ et al. Nat Genet, 2024 Jul;56:1434-1445). This amino acid position is highly conserved in available vertebrate species. In addition, this alteration is predicted to be deleterious by in silico analysis. This variant is considered to be rare based on population cohorts in the Genome Aggregation Database (gnomAD). Based on the supporting evidence, this variant is interpreted as a disease-causing mutation.

Literature cited by the submitters: PubMed 26554828; PubMed 30001711; PubMed 38969833.